The following is an entry in ClinVar:

ClinVar aggregate classification (germline): Uncertain significance. Review status: criteria provided, multiple submitters, no conflicts (2 of 4 stars). 2 submissions from 2 submitters: Uncertain significance (2). Last evaluated 2025-12-02.

Conditions:
Primary dilated cardiomyopathy (DCM). Also called: Dilated Cardiomyopathy. Identifiers: Orphanet 217604, MedGen C0007193, MeSH D002311, MONDO:0005021, HP:0001644. Inheritance: Various modes of inheritance.
Dilated cardiomyopathy 1DD (CMD1DD). Identifiers: Orphanet 154, MedGen C2750995, MONDO:0013168, OMIM 613172.

Allele frequency attached by ClinVar (database versions not stated): gnomAD exomes 0.00002.
gnomAD v4.1: 32 of 1,552,012 alleles (0.0021%); highest among the groups gnomAD compares: Non-Finnish European, 0.0028%; no homozygotes.

Submissions (2):

Labcorp Genetics (formerly Invitae), Labcorp
Classification: Uncertain significance for Dilated cardiomyopathy 1DD. Last evaluated: 2025-12-02. Review status: criteria provided, single submitter. Criteria: Invitae Variant Classification Sherloc (09022015). Collection method: clinical testing. Allele origin: germline.
Comment: This sequence change replaces glycine, which is neutral and non-polar, with arginine, which is basic and polar, at codon 965 of the RBM20 protein (p.Gly965Arg). This variant is not present in population databases (gnomAD no frequency). This variant has not been reported in the literature in individuals affected with RBM20-related conditions. ClinVar contains an entry for this variant (Variation ID: 1065186). Invitae Evidence Modeling of protein sequence and biophysical properties (such as structural, functional, and spatial information, amino acid conservation, physicochemical variation, residue mobility, and thermodynamic stability) indicates that this missense variant is not expected to disrupt RBM20 protein function with a negative predictive value of 95%. In summary, the available evidence is currently insufficient to determine the role of this variant in disease. Therefore, it has been classified as a Variant of Uncertain Significance.

Loeys Lab, Universiteit Antwerpen
Classification: Uncertain significance for Primary dilated cardiomyopathy. Last evaluated: 2021-02-26. Review status: criteria provided, single submitter. Criteria: ACMG Guidelines, 2015. Collection method: clinical testing. Allele origin: somatic. Affected: yes. Observed: 1 variant allele, 1 heterozygote.
Comment: This sequence change results in a missense variant in the RBM20 gene (p.(Gly965Arg)). This variant is absent from population databases such as GnomAD (PM2). The variant has not been described in literature before. No functional data are available. The variant affects a weakly conserved nucleotide and a moderately conserved amino acid. Prediction programs show conflicting results (Align GVGD:C0; Polyphen-2-HumDiv: possibly damaging; Polyphen-2-HumVar: benign; SIFT: deleterious; Mutation Taster: polymorphism). No data on segregation are available. In conclusion this variant was classified a variant of unknown significance according to ACMG-guidelines (insufficient data, criteria for other classification are not met: PM2).

NM_001134363.3(RBM20):c.2893G>A (p.Gly965Arg)

Gene: RBM20 (RNA binding motif protein 20; plus strand). Cytogenetic location: 10q25.2.
Variant type: single nucleotide variant.
Coding change: c.2893G>A on transcript NM_001134363.3 (MANE Select); coding-DNA position 2893, G replaced by A.
Protein change: p.Gly965Arg; replaces glycine 965 with arginine.
Molecular consequence: missense variant.
Genome position (GRCh38, 1-based): chr10:110,821,512, G>A. VCF-style: chr10-110821512-G-A. GRCh37 (hg19) VCF-style: chr10-112581270-G-A.
Other names: short protein forms G965R.
Identifiers: ClinVar variation 1065186 (VCV001065186.9), dbSNP rs2135121307, ClinGen allele CA378378322.